The following is an entry in ClinVar:

ClinVar aggregate classification (germline): Uncertain significance (1 of 4 stars; one submission).

Submission:

Labcorp Genetics (formerly Invitae), Labcorp
Classification: Uncertain significance. Last evaluated: 2022-05-09. Review status: criteria provided, single submitter. Criteria: Invitae Variant Classification Sherloc (09022015). Collection method: clinical testing. Allele origin: germline.
Comment: Algorithms developed to predict the effect of missense changes on protein structure and function are either unavailable or do not agree on the potential impact of this missense change (SIFT: "Tolerated"; PolyPhen-2: "Possibly Damaging"; Align-GVGD: "Class C0"). This sequence change replaces lysine, which is basic and polar, with glutamic acid, which is acidic and polar, at codon 877 of the CCDC88A protein (p.Lys877Glu). This variant is not present in population databases (gnomAD no frequency). This variant has not been reported in the literature in individuals affected with CCDC88A-related conditions. In summary, the available evidence is currently insufficient to determine the role of this variant in disease. Therefore, it has been classified as a Variant of Uncertain Significance.

NM_001365480.1(CCDC88A):c.2629A>G (p.Lys877Glu)

Gene: CCDC88A (coiled-coil and HOOK domain protein 88A; minus strand). Cytogenetic location: 2p16.1.
Variant type: single nucleotide variant.
Coding change: c.2629A>G on transcript NM_001365480.1 (MANE Select); coding-DNA position 2629, A replaced by G.
Protein change: p.Lys877Glu; replaces lysine 877 with glutamic acid.
Molecular consequence: missense variant.
Genome position (GRCh38, 1-based): chr2:55,334,192, T>C on the plus strand (A>G on the coding strand, the complement: CCDC88A is on the minus strand). VCF-style: chr2-55334192-T-C. GRCh37 (hg19) VCF-style: chr2-55561328-T-C.
Other names: c.2629A>G, p.Lys877Glu (NM_001135597.2, NM_001254943.2, NM_018084.5); short protein forms K877E.
Identifiers: ClinVar variation 2090393 (VCV002090393.4), dbSNP rs1219202133, ClinGen allele CA346897602.